The following is an entry in ClinVar:

ClinVar aggregate classification (germline): Uncertain significance. Review status: criteria provided, multiple submitters, no conflicts (2 of 4 stars). 2 submissions from 2 submitters: Uncertain significance (2). Last evaluated 2022-09-26.

Submissions (2):

Blueprint Genetics
Classification: Uncertain significance. Last evaluated: 2022-09-26. Review status: criteria provided, single submitter. Criteria: ACMG Guidelines, 2015. Collection method: clinical testing. Allele origin: germline.

Labcorp Genetics (formerly Invitae), Labcorp
Classification: Uncertain significance. Last evaluated: 2021-08-29. Review status: criteria provided, single submitter. Criteria: Invitae Variant Classification Sherloc (09022015). Collection method: clinical testing. Allele origin: germline.
Comment: This sequence change creates a premature translational stop signal (p.Arg2147Glufs*88) in the GPR179 gene. While this is not anticipated to result in nonsense mediated decay, it is expected to disrupt the last 221 amino acid(s) of the GPR179 protein. In summary, the available evidence is currently insufficient to determine the role of this variant in disease. Therefore, it has been classified as a Variant of Uncertain Significance. Experimental studies and prediction algorithms are not available or were not evaluated, and the functional significance of this variant is currently unknown. This variant has not been reported in the literature in individuals affected with GPR179-related conditions. This variant is present in population databases (rs773413256, ExAC 0.003%).

NM_001004334.4(GPR179):c.6439del (p.Arg2147fs)

Gene: GPR179 (G protein-coupled receptor 179; minus strand). Cytogenetic location: 17q12.
Variant type: Deletion.
Coding change: c.6439del on transcript NM_001004334.4 (MANE Select); coding-DNA position 6439, one base deleted (A; older notation c.6439delA).
Protein change: p.Arg2147fs; shifts the reading frame from arginine 2147.
Molecular consequence: frameshift variant.
Genome position (GRCh38, 1-based): chr17:38,327,130, T deleted on the plus strand (A on the coding strand, the reverse complement: GPR179 is on the minus strand); the first of 3 consecutive T bases (chr17:38,327,130-38,327,132); deleting any one gives the same sequence. VCF-style (leftmost placement, unchanged base first): chr17-38327129-CT-C. GRCh37 (hg19) VCF-style: chr17-36483012-CT-C.
Other names: short protein forms R2147fs.
Identifiers: ClinVar variation 1439356 (VCV001439356.6), dbSNP rs773413256, ClinGen allele CA290102943.